The following is an entry in ClinVar:

ClinVar aggregate classification (germline): Benign/Likely benign. Review status: criteria provided, multiple submitters, no conflicts (2 of 4 stars). 4 submissions from 4 submitters: Benign (1); Likely benign (3). Last evaluated 2024-12-20.

Conditions:
Hereditary cancer-predisposing syndrome. Also called: Neoplastic Syndromes, Hereditary; Tumor predisposition; Hereditary Cancer Syndrome; Hereditary neoplastic syndrome. Identifiers: Orphanet 140162, MedGen C0027672, MeSH D009386, MONDO:0015356.
Familial adenomatous polyposis 1 (FAP1). Also called: FAMILIAL ADENOMATOUS POLYPOSIS 1, ATTENUATED; POLYPOSIS, ADENOMATOUS INTESTINAL. Identifiers: MedGen C2713442, MONDO:0021056, OMIM 175100. Disease mechanism: loss of function.

gnomAD v4.1: 3 of 1,613,966 alleles (0.00019%); highest among the groups gnomAD compares: Admixed American, 0.0017%; no homozygotes.

Submissions (4):

Labcorp Genetics (formerly Invitae), Labcorp
Classification: Likely benign for Familial adenomatous polyposis 1. Last evaluated: 2024-12-20. Review status: criteria provided, single submitter. Criteria: Invitae Variant Classification Sherloc (09022015). Collection method: clinical testing. Allele origin: germline.

Myriad Genetics, Inc.
Classification: Benign for Familial adenomatous polyposis 1. Last evaluated: 2024-04-05. Review status: criteria provided, single submitter. Criteria: Myriad Autosomal Dominant, Autosomal Recessive and X-Linked Classification Criteria (2023). Collection method: clinical testing. Allele origin: unknown.
Comment: This variant is considered benign. This variant is a silent/synonymous amino acid change and it is not expected to impact splicing.

Ambry Genetics
Classification: Likely benign for Hereditary cancer-predisposing syndrome. Last evaluated: 2020-01-07. Review status: criteria provided, single submitter. Criteria: Ambry Variant Classification Scheme 2023. Collection method: clinical testing. Allele origin: germline.

Color Diagnostics, LLC DBA Color Health
Classification: Likely benign for Hereditary cancer-predisposing syndrome. Last evaluated: 2019-06-24. Review status: criteria provided, single submitter. Criteria: ACMG Guidelines, 2015. Collection method: clinical testing. Allele origin: germline.

NM_000038.6(APC):c.6873A>G (p.Gln2291=)

Gene: APC (APC regulator of Wnt signaling pathway; plus strand). Cytogenetic location: 5q22.2.
Variant type: single nucleotide variant.
Coding change: c.6873A>G on transcript NM_000038.6 (MANE Select); coding-DNA position 6873, A replaced by G.
Protein change: p.Gln2291=; no amino-acid change (glutamine 2291 retained).
Molecular consequence: synonymous variant.
Genome position (GRCh38, 1-based): chr5:112,842,467, A>G. VCF-style: chr5-112842467-A-G. GRCh37 (hg19) VCF-style: chr5-112178164-A-G.
Other names: c.6873A>G, p.Gln2291= (NM_001127510.3, NM_001354895.2); c.6819A>G, p.Gln2273= (NM_001127511.3); c.6927A>G, p.Gln2309= (NM_001354896.2); c.6903A>G, p.Gln2301= (NM_001354897.2); c.6798A>G, p.Gln2266= (NM_001354898.2); c.6789A>G, p.Gln2263= (NM_001354899.2); c.6750A>G, p.Gln2250= (NM_001354900.2); c.6696A>G, p.Gln2232= (NM_001354901.2); and 5 more.
Identifiers: ClinVar variation 924190 (VCV000924190.15), dbSNP rs148878262, ClinGen allele CA446210400.